The following is an entry in ClinVar:

ClinVar aggregate classification (germline): Conflicting classifications of pathogenicity. Review status: criteria provided, conflicting classifications (1 of 4 stars). 9 submissions from 9 submitters: Likely pathogenic (7); Uncertain significance (2). Last evaluated 2026-03-06.

Conditions:
CTRC-related disorder. Also called: CTRC-related condition.
Multiple congenital anomalies/dysmorphic syndrome-intellectual disability. Identifiers: Orphanet 102283, MedGen C5680372, MONDO:0015159.
Hereditary pancreatitis (PCTT). Also called: Hereditary chronic pancreatitis; PRSS1-Related Hereditary Pancreatitis. Identifiers: Orphanet 676, MedGen C0238339, MONDO:0008185, OMIM 167800.

Allele frequency attached by ClinVar (database versions not stated): gnomAD 0.00003; ExAC 0.00006; gnomAD exomes 0.00006; TOPMed 0.00007; ESP Exome Variant Server 0.00008.

Submissions (9):

PreventionGenetics, part of Exact Sciences
Classification: Likely pathogenic for CTRC-related condition. Last evaluated: 2026-03-06. Review status: criteria provided, single submitter. Criteria: ACMG Guidelines, 2015. Collection method: clinical testing. Allele origin: germline.
Comment: The CTRC c.649G>A variant is predicted to result in the amino acid substitution p.Gly217Ser. This variant has previously been reported with variable penetrance in patients with chronic pancreatitis (Rosendahl et al. 2008. PubMed ID: 18059268; Beer et al. 2013. PubMed ID: 22942235; Masson et al. 2008. PubMed ID: 18172691). The p.Gly217Ser change has been shown to abolish CTRC catalytic activity and lead to premature protein degradation. Another amino acid substitution at the same position, p.Gly217Arg, has also been reported in patients with chronic pancreatitis (Beer et al. 2013. PubMed ID: 22942235). However, in depth family studies have not been conducted for the c.649G>A variant. Therefore, we classify this variant as likely pathogenic.

Variantyx, Inc.
Classification: Likely pathogenic for Hereditary pancreatitis. Last evaluated: 2025-10-27. Review status: criteria provided, single submitter. Criteria: Variantyx Assertion Criteria 2022. Collection method: clinical testing. Allele origin: germline. Inheritance: Autosomal dominant inheritance. Affected: yes.
Comment: This is a nonsynonymous variant in the CTRC gene (OMIM: 601405). Pathogenic variants in this gene have been associated with autosomal dominant susceptibility to chronic pancreatitis. Multiple computational algorithms predict a deleterious effect for this variant (REVEL score: 0.871) (PP3) and functional analyses have demonstrated that the alteration confers a severe catalytic defect and degradation by trypsin (PMID:22942235, 18059268) (PS3). This missense change has been observed in individual(s) with chronic pancreatitis (PMID: 18059268, 18172691, 22427236, 22942235, 23951356, 33101984). Alternate amino acid change(s) at this position have been reported in similarly affected individuals, which suggests that this residue is biologically important (PMID: 18172691, 20625975) (PM5). Based on this evidence, this variant is classified as likely pathogenic for autosomal dominant susceptibility to chronic pancreatitis.

Labcorp Genetics (formerly Invitae), Labcorp
Classification: Uncertain significance for Hereditary pancreatitis. Last evaluated: 2025-08-07. Review status: criteria provided, single submitter. Criteria: Invitae Variant Classification Sherloc (09022015). Collection method: clinical testing. Allele origin: germline.
Comment: This sequence change replaces glycine, which is neutral and non-polar, with serine, which is neutral and polar, at codon 217 of the CTRC protein (p.Gly217Ser). This variant is present in population databases (rs202058123, gnomAD 0.02%). This missense change has been observed in individual(s) with chronic pancreatitis (PMID: 18059268, 18172691, 22427236, 22942235, 23951356, 33101984). ClinVar contains an entry for this variant (Variation ID: 430258). Invitae Evidence Modeling of protein sequence and biophysical properties (such as structural, functional, and spatial information, amino acid conservation, physicochemical variation, residue mobility, and thermodynamic stability) indicates that this missense variant is expected to disrupt CTRC protein function with a positive predictive value of 95%. Experimental studies have shown that this missense change affects CTRC function (PMID: 18059268, 22942235). In summary, the available evidence is currently insufficient to determine the role of this variant in disease. Therefore, it has been classified as a Variant of Uncertain Significance.

Ambry Genetics
Classification: Likely pathogenic for Hereditary pancreatitis. Last evaluated: 2024-12-13. Review status: criteria provided, single submitter. Criteria: Ambry Variant Classification Scheme 2023. Collection method: clinical testing. Allele origin: germline.
Comment: The p.G217S variant (also known as c.649G>A), located in coding exon 7 of the CTRC gene, results from a G to A substitution at nucleotide position 649. The glycine at codon 217 is replaced by serine, an amino acid with similar properties. This variant has been reported in multiple individuals with chronic pancreatitis, as well as in one control subject (Rosendahl J et al. Nat Genet, 2008 Jan;40:78-82; Masson E et al. Hum Genet, 2008 Feb;123:83-91; Rosendahl J et al. Gut, 2013 Apr;62:582-92; Beer S et al. Gut, 2013 Nov;62:1616-24; Zou WB et al. Clin Transl Gastroenterol, 2018 11;9:204). In some individuals, the alteration was detected in conjunction with a second alteration in CTRC and/or alterations in other genes implicated in the development of pancreatitis, including CFTR and PRSS1 (Rosendahl J et al. Nat Genet, 2008 Jan;40:78-82; Masson E et al. Hum Genet, 2008 Feb;123:83-91; Masson E et al. PLoS One, 2013 Aug;8:e73522; Rosendahl J et al. Gut, 2013 Apr;62:582-92; Sofia VM et al. Mol Med, 2018 07;24:38; Zou WB et al. Clin Transl Gastroenterol, 2018 11;9:204). In vitro studies showed that the amino acid substitution results in reduced catalytic activity and increased trypsin-mediated degradation of the CTRC protein (Rosendahl J et al. Nat Genet, 2008 Jan;40:78-82; Beer S et al. Gut, 2013 Nov;62:1616-24). Internal structural analysis revealed that this variant destabilizes the protein structure (Pignol D et al. EMBO J, 1994 Apr;13:1763-71). This amino acid position is highly conserved in available vertebrate species. In addition, this alteration is predicted to be deleterious by in silico analysis. Based on the majority of available evidence to date, this variant is likely to be pathogenic, but may represent a risk factor.

ARUP Laboratories, Molecular Genetics and Genomics, ARUP Laboratories
Classification: Likely pathogenic for Hereditary pancreatitis. Last evaluated: 2024-11-04. Review status: criteria provided, single submitter. Criteria: ARUP Molecular Germline Variant Investigation Process 2024. Collection method: clinical testing. Allele origin: germline.
Comment: The CTRC c.649G>A; p.Gly217Ser variant (rs202058123; ClinVar Variation ID: 430258) is reported in the literature in individuals affected with idiopathic chronic pancreatitis (Masson 2008, Rosendahl 2008, Zou 2018, AlBanji 2020), including an individual with a pathogenic CTRC variant presumed to be on the opposite chromosome. However, this variant is also reported in a pancreatitis patient with a pathogenic CTRC and CFTR variant, a cystic fibrosis patient with two pathogenic variants in CFTR, and in healthy controls (Beer 2013, Rosendahl 2008, Rosendahl 2013, Sofia 2018, Capalbo 2019, Avnat 2023). This variant is found in the general population with an overall allele frequency of 0.0057% (16/282714 alleles) in the Genome Aggregation Database v2.1.1. Computational analyses predict that this variant is deleterious (REVEL: 0.871). Functional analyses of the p.Gly217Ser protein indicate significant impairment of catalytic activity (Rosendahl 2008, Beer 2013), with the variant protein showing increased sensitivity to trypsin degradation (Beer 2013). Additionally, another variant at this codon (c.649G>C; p.Gly217Arg) has been reported in individuals with chronic pancreatitis (Beer 2013, Rosendahl 2008). Based on available information, the p.Gly217Ser variant is considered to be likely pathogenic. References: AlBanji MH et al. Utility of Hypotonia Diagnostic Investigations: A 12-year Single Center Study. Mol Genet Metab Rep. 2020 Oct 21;25:100665. PMID: 33101984 Avnat E et al. Comprehensive Genetic Analysis of Druze Provides Insights into Carrier Screening. Genes (Basel). 2023 Apr 18;14(4):937. PMID: 37107695 Capalbo A et al. Optimizing clinical exome design and parallel gene-testing for recessive genetic conditions in preconception carrier screening: Translational research genomic data from 14,125 exomes. PLoS Genet. 2019 Oct 7;15(10):e1008409. PMID: 31589614 Beer S et al. Comprehensive functional analysis of chymotrypsin C (CTRC) variants reveals distinct loss-of-function mechanisms associated with pancreatitis risk. Gut. 2013 Nov;62(11):1616-24. PMID: 22942235 Masson E et al. Association of rare chymotrypsinogen C (CTRC) gene variations in patients with idiopathic chronic pancreatitis. Hum Genet. 2008 Feb;123(1):83-91. PMID: 18172691 Rosendahl J et al. Chymotrypsin C (CTRC) variants that diminish activity or secretion are associated with chronic pancreatitis. Nat Genet. 2008 Jan;40(1):78-82. PMID: 18059268 Rosendahl J et al. CFTR, SPINK1, CTRC and PRSS1 variants in chronic pancreatitis: is the role of mutated CFTR overestimated? Gut. 2013 Apr;62(4):582-92. PMID: 22427236 Sofia VM et al. Trans-heterozygosity for mutations enhances the risk of recurrent/chronic pancreatitis in patients with Cystic Fibrosis. Mol Med. 2018 Jul 27;24(1):38. PMID: 30134826 Zou WB et al. SPINK1, PRSS1, CTRC, and CFTR Genotypes Influence Disease Onset and Clinical Outcomes in Chronic Pancreatitis. Clin Transl Gastroenterol. 2018 Nov 12;9(11):204. PMID: 30420730

Genomic Medicine Center of Excellence, King Faisal Specialist Hospital and Research Centre
Classification: Uncertain significance for Hereditary pancreatitis. Last evaluated: 2024-03-29. Review status: criteria provided, single submitter. Criteria: ACMG Guidelines, 2015. Collection method: clinical testing. Allele origin: germline.

AURAGEN, Plan France Médecine Génomique
Classification: Likely pathogenic for Multiple congenital anomalies/dysmorphic syndrome-intellectual disability. Last evaluated: 2022-04-29. Review status: criteria provided, single submitter. Criteria: PFMG2025 (Lancet Reg Health Eur. 2025). Collection method: clinical testing. Allele origin: germline. Affected: yes.

Baylor Genetics
Classification: Likely pathogenic for Hereditary pancreatitis. Last evaluated: 2020-05-18. Review status: criteria provided, single submitter. Criteria: ACMG Guidelines, 2015. Collection method: clinical testing. Allele origin: unknown. Affected: yes.
Comment: This variant was determined to be likely pathogenic according to ACMG Guidelines, 2015 [PMID:25741868].

GeneDx
Classification: Likely pathogenic. Last evaluated: 2016-04-07. Review status: criteria provided, single submitter. Criteria: GeneDx Variant Classification (06012015). Collection method: clinical testing. Allele origin: germline. Affected: yes.
Comment: The G217S variant in the CTRC gene has previously been reported in association with chronic pancreatitis (Masson et al., 2008; Beer et al., 2013; Rosendahl et al., 2013). However, G217S has also been observed in unaffected control individuals, suggesting incomplete penetrance (Beer et al., 2013; Rosendahl et al., 2013). Functional studies show G217S leads to catalytic deficiency, as well as trypsin degradation (Rosendahl et al., 2008; Beer et al., 2013). The G217S variant was not observed with any significant frequency in approximately 6,500 individuals of European and African American ancestry in the NHLBI Exome Sequencing Project, indicating it is not a common benign variant in these populations. This variant is a non-conservative amino acid substitution, which is likely to impact secondary protein structure as these residues differ in polarity, charge, size and/or other properties. This substitution occurs at a position that is conserved across species. A missense variant at the same residue (G217R), as well as nearby residues (G214R, L220R) have been reported in the Human Gene Mutation Database in association with CTRC-related disorders (Stenson et al., 2014), supporting the functional importance of this region of the protein. Based on the currently available information, G217S is a strong candidate for a pathogenic variant, however, the possibility it may be a rare benign variant cannot be excluded.

Literature cited by the submitters: PubMed 22942235 (cited by 3 submitters); PubMed 18059268 (cited by 3 submitters); PubMed 18172691 (cited by 3 submitters); PubMed 20625975 (cited by Variantyx, Inc. and Ambry Genetics); PubMed 22427236 (cited by Labcorp Genetics (formerly Invitae), Labcorp and Ambry Genetics); PubMed 23951356 (cited by Labcorp Genetics (formerly Invitae), Labcorp and Ambry Genetics); PubMed 33101984 (cited by Labcorp Genetics (formerly Invitae), Labcorp); PubMed 21631589 (cited by Ambry Genetics); PubMed 23430245 (cited by Ambry Genetics); PubMed 30134826 (cited by Ambry Genetics); PubMed 30420730 (cited by Ambry Genetics); PubMed 8168476 (cited by Ambry Genetics).

NM_007272.3(CTRC):c.649G>A (p.Gly217Ser)

Gene: CTRC (chymotrypsin C; plus strand). Cytogenetic location: 1p36.21.
Variant type: single nucleotide variant.
Coding change: c.649G>A on transcript NM_007272.3 (MANE Select); coding-DNA position 649, G replaced by A.
Protein change: p.Gly217Ser; replaces glycine 217 with serine.
Molecular consequence: missense variant.
Genome position (GRCh38, 1-based): chr1:15,445,606, G>A. VCF-style: chr1-15445606-G-A. GRCh37 (hg19) VCF-style: chr1-15772101-G-A.
Other names: short protein forms G217S.
Identifiers: ClinVar variation 430258 (VCV000430258.28), dbSNP rs202058123, ClinGen allele CA613437.